The following is an entry in ClinVar:

ClinVar aggregate classification (germline): Uncertain significance (1 of 4 stars; one submission).

Conditions:
Hereditary breast ovarian cancer syndrome. Also called: BRCA1- and BRCA2-Associated Hereditary Breast and Ovarian Cancer; Breast and ovarian cancer; Hereditary breast and ovarian cancer syndrome (HBOC); Hereditary breast and ovarian cancer; Hereditary breast and ovarian cancer syndrome; Hereditary breast and/or ovarian cancer syndrome. Identifiers: Orphanet 145, MedGen C0677776, MeSH D061325, MONDO:0003582. Disease mechanism: loss of function.

Submission:

Labcorp Genetics (formerly Invitae), Labcorp
Classification: Uncertain significance for Hereditary breast ovarian cancer syndrome. Last evaluated: 2018-10-25. Review status: criteria provided, single submitter. Criteria: Invitae Variant Classification Sherloc (09022015). Collection method: clinical testing. Allele origin: germline.
Comment: In summary, the available evidence is currently insufficient to determine the role of this variant in disease. Therefore, it has been classified as a Variant of Uncertain Significance. Algorithms developed to predict the effect of missense changes on protein structure and function (SIFT, PolyPhen-2, Align-GVGD) all suggest that this variant is likely to be tolerated, but these predictions have not been confirmed by published functional studies and their clinical significance is uncertain. This variant has not been reported in the literature in individuals with BRCA2-related disease. This variant is not present in population databases (ExAC no frequency). This sequence change replaces aspartic acid with alanine at codon 3378 of the BRCA2 protein (p.Asp3378Ala). The aspartic acid residue is weakly conserved and there is a moderate physicochemical difference between aspartic acid and alanine.

NM_000059.4(BRCA2):c.10133A>C (p.Asp3378Ala)

Gene: BRCA2 (BRCA2 DNA repair associated; plus strand). Cytogenetic location: 13q13.1.
Variant type: single nucleotide variant.
Coding change: c.10133A>C on transcript NM_000059.4 (MANE Select); coding-DNA position 10133, A replaced by C.
Protein change: p.Asp3378Ala; replaces aspartic acid 3378 with alanine.
Molecular consequence: missense variant.
Genome position (GRCh38, 1-based): chr13:32,398,646, A>C. VCF-style: chr13-32398646-A-C. GRCh37 (hg19) VCF-style: chr13-32972783-A-C.
Other names: short protein forms D3378A.
Identifiers: ClinVar variation 665209 (VCV000665209.9), dbSNP rs1593202363, ClinGen allele CA387768104.